The following is an entry in ClinVar:

ClinVar aggregate classification (germline): Pathogenic/Likely pathogenic. Review status: criteria provided, multiple submitters, no conflicts (2 of 4 stars). 2 submissions from 2 submitters: Pathogenic (1); Likely pathogenic (1). Last evaluated 2024-09-20.

Conditions:
Cohen syndrome (COH1). Also called: PEPPER SYNDROME; Cutis verticis gyrata, retinitis pigmentosa, and sensorineural deafness. Identifiers: Orphanet 193, MedGen C0265223, MONDO:0008999, OMIM 216550.

Submissions (2):

Laboratorio de Genetica e Diagnostico Molecular, Hospital Israelita Albert Einstein
Classification: Likely pathogenic for Cohen syndrome. Last evaluated: 2024-09-20. Review status: criteria provided, single submitter. Criteria: ACMG Guidelines, 2015. Collection method: clinical testing. Allele origin: germline. Affected: yes.
Comment: ACMG classification criteria: PVS1 very strong, PM2 supporting

Labcorp Genetics (formerly Invitae), Labcorp
Classification: Pathogenic for Cohen syndrome. Last evaluated: 2022-06-20. Review status: criteria provided, single submitter. Criteria: Invitae Variant Classification Sherloc (09022015). Collection method: clinical testing. Allele origin: germline.
Comment: For these reasons, this variant has been classified as Pathogenic. This variant has not been reported in the literature in individuals affected with VPS13B-related conditions. This variant is not present in population databases (gnomAD no frequency). This sequence change creates a premature translational stop signal (p.Gln3591*) in the VPS13B gene. It is expected to result in an absent or disrupted protein product. Loss-of-function variants in VPS13B are known to be pathogenic (PMID: 15141358, 16648375, 20461111).

Literature cited by the submitters: PubMed 15141358 (cited by Labcorp Genetics (formerly Invitae), Labcorp); PubMed 16648375 (cited by Labcorp Genetics (formerly Invitae), Labcorp); PubMed 20461111 (cited by Labcorp Genetics (formerly Invitae), Labcorp).

NM_152564.5(VPS13B):c.10696C>T (p.Gln3566Ter)

Gene: VPS13B (vacuolar protein sorting 13 homolog B; plus strand). Cytogenetic location: 8q22.2.
Variant type: single nucleotide variant.
Coding change: c.10696C>T on transcript NM_152564.5 (MANE Select); coding-DNA position 10696, C replaced by T.
Protein change: p.Gln3566Ter; replaces glutamine 3566 with a stop codon.
Molecular consequence: nonsense.
Genome position (GRCh38, 1-based): chr8:99,854,085, C>T. VCF-style: chr8-99854085-C-T. GRCh37 (hg19) VCF-style: chr8-100866313-C-T.
Other names: c.10771C>T, p.Gln3591Ter (NM_017890.5); short protein forms Q3566*, Q3591*.
Identifiers: ClinVar variation 1456479 (VCV001456479.7), dbSNP rs2130918298, ClinGen allele CA371785272.